The following is an entry in ClinVar:

NM_000327.4(ROM1):c.178C>A (p.Pro60Thr)

Gene: ROM1 (retinal outer segment membrane protein 1; plus strand). Cytogenetic location: 11q12.3.
Variant type: single nucleotide variant.
Coding change: c.178C>A on transcript NM_000327.4 (MANE Select); coding-DNA position 178, C replaced by A.
Protein change: p.Pro60Thr; replaces proline 60 with threonine.
Molecular consequence: missense variant.
Genome position (GRCh38, 1-based): chr11:62,613,459, C>A. VCF-style: chr11-62613459-C-A. GRCh37 (hg19) VCF-style: chr11-62380931-C-A.
Other names: short protein forms P60T.
Identifiers: ClinVar variation 846461 (VCV000846461.12), dbSNP rs199757012, ClinGen allele CA6049661.
Genomic context (GRCh38, chr11:62,613,459, plus strand): 5'-GGGCACCTCCTGGTCCAGCTAAGGCACCTTGGCACCTTCCTGGCTCCCTCCTGTCAGTTC[C>A]CTGTCCTGCCCCAGGCTGCCCTGGCAGCGGGCGCGGTGGCTCTGGGCACAGGACTAGTGG-3'
Protein context (NP_000318.2, residues 50-70): GTFLAPSCQF[Pro60Thr]VLPQAALAAG

ClinVar aggregate classification (germline): Conflicting classifications of pathogenicity. Review status: criteria provided, conflicting classifications (1 of 4 stars). 3 submissions from 3 submitters: Uncertain significance (2); Likely benign (1). Last evaluated 2025-11-17.

Conditions:
Retinitis pigmentosa (RP). Identifiers: Orphanet 791, MedGen C0035334, MeSH D012174, MONDO:0019200, OMIM 268000. Inheritance: Autosomal dominant, autosomal recessive and X linked inheritance.

Allele frequency attached by ClinVar (database versions not stated): TOPMed 0.00033.
gnomAD v4.1: 533 of 1,613,068 alleles (0.033%); highest among the groups gnomAD compares: Admixed American, 0.075%; no homozygotes.

Submissions (3):

Labcorp Genetics (formerly Invitae), Labcorp
Classification: Uncertain significance. Last evaluated: 2025-11-17. Review status: criteria provided, single submitter. Criteria: Invitae Variant Classification Sherloc (09022015). Collection method: clinical testing. Allele origin: germline.
Comment: This sequence change replaces proline, which is neutral and non-polar, with threonine, which is neutral and polar, at codon 60 of the ROM1 protein (p.Pro60Thr). This variant is present in population databases (rs199757012, gnomAD 0.03%). This missense change has been observed in individual(s) with clinical features of retinitis pigmentosa, always in the presence of a second variant, p.Thr108Met (PMID: 8595413, 9187681, 9331261, 24265693, 33688152). ClinVar contains an entry for this variant (Variation ID: 846461). Invitae Evidence Modeling of protein sequence and biophysical properties (such as structural, functional, and spatial information, amino acid conservation, physicochemical variation, residue mobility, and thermodynamic stability) indicates that this missense variant is not expected to disrupt ROM1 protein function with a negative predictive value of 80%. In summary, the available evidence is currently insufficient to determine the role of this variant in disease. Therefore, it has been classified as a Variant of Uncertain Significance.

Blueprint Genetics
Classification: Likely benign. Last evaluated: 2024-08-12. Review status: criteria provided, single submitter. Criteria: ACMG Guidelines, 2015. Collection method: clinical testing. Allele origin: germline.

Illumina Laboratory Services, Illumina
Classification: Uncertain significance for Retinitis pigmentosa. Last evaluated: 2017-04-27. Review status: criteria provided, single submitter. Criteria: ICSL Variant Classification Criteria 13 December 2019. Collection method: clinical testing. Allele origin: germline.

Literature cited by the submitters: PubMed 8595413 (cited by Labcorp Genetics (formerly Invitae), Labcorp); PubMed 9187681 (cited by Labcorp Genetics (formerly Invitae), Labcorp); PubMed 9331261 (cited by Labcorp Genetics (formerly Invitae), Labcorp); PubMed 24265693 (cited by Labcorp Genetics (formerly Invitae), Labcorp); PubMed 33688152 (cited by Labcorp Genetics (formerly Invitae), Labcorp).